The following is an entry in ClinVar:

ClinVar aggregate classification (germline): Uncertain significance (1 of 4 stars; one submission).

Conditions:
Neuropathy, hereditary sensory and autonomic, type 2A (HSAN2A). Also called: HSAN IIA; ACROOSTEOLYSIS, GIACCAI TYPE; ACROOSTEOLYSIS, NEUROGENIC; MORVAN DISEASE; NEUROPATHY, CONGENITAL SENSORY; NEUROPATHY, HEREDITARY SENSORY RADICULAR, AUTOSOMAL RECESSIVE. Identifiers: Orphanet 970, MedGen C2752089, MONDO:0024309, OMIM 201300.
Generalized epilepsy with febrile seizures plus, type 7 (GEFSP7). Also called: GEFS+, TYPE 7. Identifiers: Orphanet 36387, MedGen C2751778, MONDO:0013470, OMIM 613863.

Allele frequency attached by ClinVar (database versions not stated): gnomAD exomes below 0.00001 and 0.00001; gnomAD 0.00001.

Submission:

Labcorp Genetics (formerly Invitae), Labcorp
Classification: Uncertain significance for Neuropathy, hereditary sensory and autonomic, type 2A; Generalized epilepsy with febrile seizures plus, type 7. Last evaluated: 2023-11-27. Review status: criteria provided, single submitter. Criteria: Invitae Variant Classification Sherloc (09022015). Collection method: clinical testing. Allele origin: germline.
Comment: This variant, c.1320_1325dup, results in the insertion of 2 amino acid(s) of the SCN9A protein (p.Ala444_Ala445dup), but otherwise preserves the integrity of the reading frame. The frequency data for this variant in the population databases is considered unreliable, as metrics indicate poor data quality at this position in the gnomAD database. This variant has not been reported in the literature in individuals affected with SCN9A-related conditions. ClinVar contains an entry for this variant (Variation ID: 847025). Experimental studies and prediction algorithms are not available or were not evaluated, and the functional significance of this variant is currently unknown. In summary, the available evidence is currently insufficient to determine the role of this variant in disease. Therefore, it has been classified as a Variant of Uncertain Significance.

NM_001365536.1(SCN9A):c.1320_1325dup (p.Ala445_Glu446insAlaAla)

Genes: SCN1A-AS1 (SCN1A and SCN9A antisense RNA 1; plus strand), SCN9A (sodium voltage-gated channel alpha subunit 9; minus strand). Cytogenetic location: 2q24.3.
Variant type: Duplication.
Coding change: c.1320_1325dup on transcript NM_001365536.1 (MANE Select); coding-DNA positions 1320 to 1325, 6 bases duplicated (TGCAGC; older notation c.1320_1325dupTGCAGC).
Protein change: p.Ala445_Glu446insAlaAla.
Molecular consequence: inframe insertion. On other transcripts: inframe indel (1).
Genome position (GRCh38, 1-based): chr2:166,286,613-166,286,618, GCTGCA duplicated on the plus strand (TGCAGC on the coding strand, the reverse complement: SCN9A is on the minus strand). VCF-style (leftmost placement, unchanged base first): chr2-166286612-C-CGCTGCA. GRCh37 (hg19) VCF-style: chr2-167143122-C-CGCTGCA.
Other names: c.1320_1325dup, p.Ala445_Glu446insAlaAla (NM_002977.4).
Identifiers: ClinVar variation 847025 (VCV000847025.8), dbSNP rs1559013008, ClinGen allele CA537657644.